The following is an entry in ClinVar:

ClinVar aggregate classification (germline): Uncertain significance (1 of 4 stars; one submission).

Allele frequency attached by ClinVar (database versions not stated): gnomAD exomes below 0.00001; ExAC 0.00003; gnomAD 0.00005; ESP Exome Variant Server 0.00008; TOPMed 0.00008.
gnomAD v4.1: 12 of 1,563,352 alleles (0.00077%); highest among the groups gnomAD compares: African/African-American, 0.014%; no homozygotes.

Submission:

Labcorp Genetics (formerly Invitae), Labcorp
Classification: Uncertain significance. Last evaluated: 2022-06-07. Review status: criteria provided, single submitter. Criteria: Invitae Variant Classification Sherloc (09022015). Collection method: clinical testing. Allele origin: germline.
Comment: This sequence change falls in intron 8 of the FREM1 gene. It does not directly change the encoded amino acid sequence of the FREM1 protein. It affects a nucleotide within the consensus splice site. This variant is present in population databases (rs376125753, gnomAD 0.02%). This variant has not been reported in the literature in individuals affected with FREM1-related conditions. Variants that disrupt the consensus splice site are a relatively common cause of aberrant splicing (PMID: 17576681, 9536098). Algorithms developed to predict the effect of sequence changes on RNA splicing suggest that this variant is not likely to affect RNA splicing. In summary, the available evidence is currently insufficient to determine the role of this variant in disease. Therefore, it has been classified as a Variant of Uncertain Significance.

Literature cited by the submitters: PubMed 17576681; PubMed 9536098.

NM_001379081.2(FREM1):c.1262-3T>C

Gene: FREM1 (FRAS1 related extracellular matrix 1; minus strand). Cytogenetic location: 9p22.3.
Variant type: single nucleotide variant.
Coding change: c.1262-3T>C on transcript NM_001379081.2 (MANE Select); 3 bases into the intron before coding-DNA position 1262, T replaced by C.
Molecular consequence: intron variant.
Genome position (GRCh38, 1-based): chr9:14,846,094, A>G on the plus strand (T>C on the coding strand, the complement: FREM1 is on the minus strand). VCF-style: chr9-14846094-A-G. GRCh37 (hg19) VCF-style: chr9-14846092-A-G.
Other names: c.1262-3T>C (NM_144966.7).
Identifiers: ClinVar variation 1923197 (VCV001923197.5), dbSNP rs376125753, ClinGen allele CA4991306.